The following is an entry in ClinVar:

ClinVar aggregate classification (germline): Uncertain significance (1 of 4 stars; one submission).

Conditions:
Inborn genetic diseases. Identifiers: MedGen C0950123, MeSH D030342.

Submission:

Ambry Genetics
Classification: Uncertain significance for Inborn genetic diseases. Last evaluated: 2020-12-28. Review status: criteria provided, single submitter. Criteria: Ambry Variant Classification Scheme 2023. Collection method: clinical testing. Allele origin: germline.
Comment: The c.1961C>T (p.P654L) alteration is located in exon 19 (coding exon 17) of the PRMT7 gene. This alteration results from a C to T substitution at nucleotide position 1961, causing the proline (P) at amino acid position 654 to be replaced by a leucine (L). The p.P654L alteration is predicted to be tolerated by in silico analysis. Based on insufficient or conflicting evidence, the clinical significance of this alteration remains unclear.

NM_019023.5(PRMT7):c.1961C>T (p.Pro654Leu)

Gene: PRMT7 (protein arginine methyltransferase 7; plus strand). Cytogenetic location: 16q22.1.
Variant type: single nucleotide variant.
Coding change: c.1961C>T on transcript NM_019023.5 (MANE Select); coding-DNA position 1961, C replaced by T.
Protein change: p.Pro654Leu; replaces proline 654 with leucine.
Molecular consequence: missense variant. On other transcripts: non-coding transcript variant (12).
Genome position (GRCh38, 1-based): chr16:68,357,106, C>T. VCF-style: chr16-68357106-C-T. GRCh37 (hg19) VCF-style: chr16-68391009-C-T.
Other names: c.1811C>T, p.Pro604Leu (NM_001184824.4); c.1961C>T, p.Pro654Leu (NM_001290018.2, NM_001351143.3, NM_001378018.1); c.1964C>T, p.Pro655Leu (NM_001351144.3); c.1754C>T, p.Pro585Leu (NM_001378020.1); c.1724C>T, p.Pro575Leu (NM_001378021.1, NM_001378022.1, NM_001378023.1); short protein forms P585L, P604L, P654L, P655L, P575L.
Identifiers: ClinVar variation 2228310 (VCV002228310.2), dbSNP rs772191275, ClinGen allele CA396443648.